The following is an entry in ClinVar:

ClinVar aggregate classification (germline): Pathogenic. Review status: criteria provided, single submitter (1 of 4 stars). 3 submissions from 3 submitters: Pathogenic (1). 2 of the submissions do not count toward it. Last evaluated 2023-02-16.

Conditions:
Pulmonary arterial hypertension. Identifiers: Orphanet 182090, MedGen C2973725, MeSH D000081029, MONDO:0015924, HP:0002092.
Pulmonary hypertension, primary, 1 (PPH1). Also called: Pulmonary hypertension, familial primary, 1, with or without HHT. Identifiers: Orphanet 422, MedGen C4552070, MONDO:0024533, OMIM 178600.

Submissions (3):

GeneDx
Classification: Pathogenic. Last evaluated: 2023-02-16. Review status: criteria provided, single submitter. Criteria: GeneDx Variant Classification Process June 2021. Collection method: clinical testing. Allele origin: germline. Affected: yes.
Comment: Frameshift variant predicted to result in protein truncation or nonsense mediated decay in a gene for which loss of function is a known mechanism of disease; Not observed at significant frequency in large population cohorts (gnomAD); This variant is associated with the following publications: (PMID: 29743074, 26387786, 32581362, 16728714)

NIHR Bioresource Rare Diseases, University of Cambridge
Classification: Pathogenic for Pulmonary arterial hypertension. Review status: no assertion criteria provided. Collection method: research. Allele origin: unknown. Affected: yes. Observed: 1 variant allele. Not counted in ClinVar's aggregate classification.

Rare Disease Genomics Group, St George's University of London
Classification: Pathogenic for Primary pulmonary hypertension. Review status: no assertion criteria provided. Collection method: literature only. Allele origin: germline. Affected: yes. Not counted in ClinVar's aggregate classification.

Literature cited by the submitters: PubMed 32581362 (cited by NIHR Bioresource Rare Diseases, University of Cambridge); PubMed 16728714 (cited by Rare Disease Genomics Group, St George's University of London).

NM_001204.7(BMPR2):c.796_799del (p.Arg266fs)

Gene: BMPR2 (bone morphogenetic protein receptor type 2; plus strand). Cytogenetic location: 2q33.2.
Variant type: Microsatellite.
Coding change: c.796_799del on transcript NM_001204.7 (MANE Select); coding-DNA positions 796 to 799, 4 bases deleted (AGAG; older notation c.796_799delAGAG).
Protein change: p.Arg266fs; shifts the reading frame from arginine 266.
Molecular consequence: frameshift variant.
Genome position (GRCh38, 1-based): chr2:202,518,996-202,518,999, AGAG deleted; deleting any 4 consecutive bases within chr2:202,518,993-202,518,999 gives the same sequence; the c. name uses the placement nearest the transcript's 3' end. VCF-style (leftmost placement, unchanged base first): chr2-202518992-TGAGA-T. GRCh37 (hg19) VCF-style: chr2-203383715-TGAGA-T.
Other names: c.796_799del (NM_001204.6); c.796_799delAGAG (NM_001204.6); short protein forms R266fs.
Identifiers: ClinVar variation 425826 (VCV000425826.3), dbSNP rs1085307261, ClinGen allele CA645293817.